The following is an entry in ClinVar:

NM_001458.5(FLNC):c.6313C>T (p.Pro2105Ser)

Genes: FLNC (filamin C; plus strand), FLNC-AS1 (FLNC antisense RNA 1; minus strand). Cytogenetic location: 7q32.1.
Variant type: single nucleotide variant.
Coding change: c.6313C>T on transcript NM_001458.5 (MANE Select); coding-DNA position 6313, C replaced by T.
Protein change: p.Pro2105Ser; replaces proline 2105 with serine.
Molecular consequence: missense variant.
Genome position (GRCh38, 1-based): chr7:128,853,573, C>T. VCF-style: chr7-128853573-C-T. GRCh37 (hg19) VCF-style: chr7-128493627-C-T.
Other names: c.6214C>T, p.Pro2072Ser (NM_001127487.2); short protein forms P2072S, P2105S.
Identifiers: ClinVar variation 5018807 (VCV005018807.2).

ClinVar aggregate classification (germline): Uncertain significance (1 of 4 stars; one submission).

Conditions:
Hypertrophic cardiomyopathy 26. Also called: Cardiomyopathy, familial hypertrophic, 26. Identifiers: Orphanet 75249, MedGen C4310749, MONDO:0014883, OMIM 617047.
Distal myopathy with posterior leg and anterior hand involvement. Also called: WILLIAMS DISTAL MYOPATHY. Identifiers: Orphanet 63273, MedGen C3279722, MONDO:0013550, OMIM 614065.
Myofibrillar myopathy 5. Also called: Filaminopathy (type); FILAMINOPATHY, AUTOSOMAL DOMINANT. Identifiers: Orphanet 171445, MedGen C1836050, MONDO:0012289, OMIM 609524.

Submission:

Juno Genomics, Hangzhou Juno Genomics, Inc
Classification: Uncertain significance for Myofibrillar myopathy 5; Hypertrophic cardiomyopathy 26; Distal myopathy with posterior leg and anterior hand involvement. Review status: criteria provided, single submitter. Criteria: ACMG Guidelines, 2015. Collection method: clinical testing. Allele origin: germline.
Comment: Absent from controls (or at extremely low frequency if recessive) in Genome Aggregation Database.;Missense variant in a gene that has a low rate of benign missense variation.;Multiple lines of computational evidence support a deleterious effect on the gene or gene product.